The following is an entry in ClinVar:

ClinVar aggregate classification (germline): Uncertain significance (1 of 4 stars; one submission).

Submission:

GeneDx
Classification: Uncertain significance. Last evaluated: 2024-07-17. Review status: criteria provided, single submitter. Criteria: GeneDx Variant Classification Process June 2021. Collection method: clinical testing. Allele origin: germline. Affected: yes.
Comment: Not observed at significant frequency in large population cohorts (gnomAD); In silico analysis supports that this missense variant has a deleterious effect on protein structure/function; In silico analysis supports a deleterious effect on splicing; Has not been previously published as pathogenic or benign to our knowledge; Does not affect a cysteine or calcium-binding residue within an EGF-like domain or a TGF-binding protein domain of the FBN1 gene; cysteine substitutions in the EGF-like domains represent the majority of pathogenic missense changes associated with FBN1-related disorders (PMID: 12938084); This variant is associated with the following publications: (PMID: 12938084)

NM_000138.5(FBN1):c.4178A>T (p.Glu1393Val)

Gene: FBN1 (fibrillin 1; minus strand). Cytogenetic location: 15q21.1.
Variant type: single nucleotide variant.
Coding change: c.4178A>T on transcript NM_000138.5 (MANE Select); coding-DNA position 4178, A replaced by T.
Protein change: p.Glu1393Val; replaces glutamic acid 1393 with valine.
Molecular consequence: missense variant.
Genome position (GRCh38, 1-based): chr15:48,474,287, T>A on the plus strand (A>T on the coding strand, the complement: FBN1 is on the minus strand). VCF-style: chr15-48474287-T-A. GRCh37 (hg19) VCF-style: chr15-48766484-T-A.
Other names: c.4178A>T, p.Glu1393Val (NM_001406716.1); short protein forms E1393V.
Identifiers: ClinVar variation 3573861 (VCV003573861.1).